The following is an entry in ClinVar:

ClinVar aggregate classification (germline): Uncertain significance (1 of 4 stars; one submission).

Submission:

Ambry Genetics
Classification: Uncertain significance. Last evaluated: 2024-08-22. Review status: criteria provided, single submitter. Criteria: Ambry Variant Classification Scheme 2023. Collection method: clinical testing. Allele origin: germline.
Comment: The p.G685E variant (also known as c.2054G>A), located in coding exon 19 of the PRKDC gene, results from a G to A substitution at nucleotide position 2054. The glycine at codon 685 is replaced by glutamic acid, an amino acid with similar properties. This amino acid position is conserved. In addition, this alteration is predicted to be tolerated by in silico analysis. Based on the available evidence, the clinical significance of this variant remains unclear.

NM_006904.7(PRKDC):c.2054G>A (p.Gly685Glu)

Gene: PRKDC (protein kinase, DNA-activated, catalytic subunit; minus strand). Cytogenetic location: 8q11.21.
Variant type: single nucleotide variant.
Coding change: c.2054G>A on transcript NM_006904.7 (MANE Select); coding-DNA position 2054, G replaced by A.
Protein change: p.Gly685Glu; replaces glycine 685 with glutamic acid.
Molecular consequence: missense variant.
Genome position (GRCh38, 1-based): chr8:47,929,177, C>T on the plus strand (G>A on the coding strand, the complement: PRKDC is on the minus strand). VCF-style: chr8-47929177-C-T. GRCh37 (hg19) VCF-style: chr8-48841737-C-T.
Other names: c.2054G>A, p.Gly685Glu (NM_001081640.2); short protein forms G685E.
Identifiers: ClinVar variation 3425245 (VCV003425245.1).